The following is an entry in ClinVar:

NM_001142800.2(EYS):c.2427A>C (p.Glu809Asp)

Gene: EYS (eyes shut homolog; minus strand). Cytogenetic location: 6q12.
Variant type: single nucleotide variant.
Coding change: c.2427A>C on transcript NM_001142800.2 (MANE Select); coding-DNA position 2427, A replaced by C.
Protein change: p.Glu809Asp; replaces glutamic acid 809 with aspartic acid.
Molecular consequence: missense variant.
Genome position (GRCh38, 1-based): chr6:64,912,698, T>G on the plus strand (A>C on the coding strand, the complement: EYS is on the minus strand). VCF-style: chr6-64912698-T-G. GRCh37 (hg19) VCF-style: chr6-65622591-T-G.
Other names: c.2427A>C, p.Glu809Asp (NM_001292009.2); short protein forms E809D.
Identifiers: ClinVar variation 1513219 (VCV001513219.7), dbSNP rs2150076908, ClinGen allele CA364786548.

ClinVar aggregate classification (germline): Uncertain significance (1 of 4 stars; one submission).

Submission:

Labcorp Genetics (formerly Invitae), Labcorp
Classification: Uncertain significance. Last evaluated: 2024-11-04. Review status: criteria provided, single submitter. Criteria: Invitae Variant Classification Sherloc (09022015). Collection method: clinical testing. Allele origin: germline.
Comment: This sequence change replaces glutamic acid, which is acidic and polar, with aspartic acid, which is acidic and polar, at codon 809 of the EYS protein (p.Glu809Asp). This variant is not present in population databases (gnomAD no frequency). This variant has not been reported in the literature in individuals affected with EYS-related conditions. ClinVar contains an entry for this variant (Variation ID: 1513219). Invitae Evidence Modeling of protein sequence and biophysical properties (such as structural, functional, and spatial information, amino acid conservation, physicochemical variation, residue mobility, and thermodynamic stability) has been performed for this missense variant. However, the output from this modeling did not meet the statistical confidence thresholds required to predict the impact of this variant on EYS protein function. In summary, the available evidence is currently insufficient to determine the role of this variant in disease. Therefore, it has been classified as a Variant of Uncertain Significance.